The following is an entry in ClinVar:

ClinVar aggregate classification (germline): Pathogenic (1 of 4 stars; one submission).

Submission:

Labcorp Genetics (formerly Invitae), Labcorp
Classification: Pathogenic. Last evaluated: 2025-02-19. Review status: criteria provided, single submitter. Criteria: Invitae Variant Classification Sherloc (09022015). Collection method: clinical testing. Allele origin: germline.
Comment: This sequence change creates a premature translational stop signal (p.Arg179*) in the DARS2 gene. It is expected to result in an absent or disrupted protein product. Loss-of-function variants in DARS2 are known to be pathogenic (PMID: 17384640, 24566671). This variant is not present in population databases (gnomAD no frequency). This variant has not been reported in the literature in individuals affected with DARS2-related conditions. For these reasons, this variant has been classified as Pathogenic.

Literature cited by the submitters: PubMed 17384640; PubMed 24566671.

NM_018122.5(DARS2):c.535_536del (p.Leu178_Arg179insTer)

Gene: DARS2 (aspartyl-tRNA synthetase 2, mitochondrial; plus strand). Cytogenetic location: 1q25.1.
Variant type: Deletion.
Coding change: c.535_536del on transcript NM_018122.5 (MANE Select); coding-DNA positions 535 to 536, 2 bases deleted (CG; older notation c.535_536delCG).
Protein change: p.Leu178_Arg179insTer.
Molecular consequence: nonsense.
Genome position (GRCh38, 1-based): chr1:173,833,418-173,833,419, CG deleted; deleting any 2 consecutive bases within chr1:173,833,417-173,833,419 gives the same sequence; the c. name uses the placement nearest the transcript's 3' end. VCF-style (leftmost placement, unchanged base first): chr1-173833416-TGC-T. GRCh37 (hg19) VCF-style: chr1-173802554-TGC-T.
Other names: c.535_536del, p.Leu178_Arg179insTer (NM_001365212.1, NM_001365213.2).
Identifiers: ClinVar variation 4760117 (VCV004760117.1).